The following is an entry in ClinVar:

ClinVar aggregate classification (germline): Uncertain significance. Review status: criteria provided, multiple submitters, no conflicts (2 of 4 stars). 2 submissions from 2 submitters: Uncertain significance (2). Last evaluated 2024-12-31.

Conditions:
Inborn genetic diseases. Identifiers: MedGen C0950123, MeSH D030342.
Holocarboxylase synthetase deficiency. Also called: MULTIPLE CARBOXYLASE DEFICIENCY, EARLY ONSET. Identifiers: Orphanet 79242, MedGen C0268581, MONDO:0009666, OMIM 253270.

Allele frequency attached by ClinVar (database versions not stated): TOPMed 0.00002; gnomAD 0.00003; ExAC 0.00006.
gnomAD v4.1: 112 of 1,614,070 alleles (0.0069%); highest among the groups gnomAD compares: Middle Eastern, 0.016%; no homozygotes.

Submissions (2):

Ambry Genetics
Classification: Uncertain significance for Inborn genetic diseases. Last evaluated: 2024-12-31. Review status: criteria provided, single submitter. Criteria: Ambry Variant Classification Scheme 2023. Collection method: clinical testing. Allele origin: germline.

Labcorp Genetics (formerly Invitae), Labcorp
Classification: Uncertain significance for Holocarboxylase synthetase deficiency. Last evaluated: 2022-01-17. Review status: criteria provided, single submitter. Criteria: Invitae Variant Classification Sherloc (09022015). Collection method: clinical testing. Allele origin: germline.
Comment: This sequence change replaces valine, which is neutral and non-polar, with methionine, which is neutral and non-polar, at codon 547 of the HLCS protein (p.Val547Met). This variant is present in population databases (rs200568347, gnomAD 0.01%). This variant has not been reported in the literature in individuals affected with HLCS-related conditions. Advanced modeling of protein sequence and biophysical properties (such as structural, functional, and spatial information, amino acid conservation, physicochemical variation, residue mobility, and thermodynamic stability) performed at Invitae indicates that this missense variant is not expected to disrupt HLCS protein function. In summary, the available evidence is currently insufficient to determine the role of this variant in disease. Therefore, it has been classified as a Variant of Uncertain Significance.

NM_001352514.2(HLCS):c.2080G>A (p.Val694Met)

Gene: HLCS (holocarboxylase synthetase; minus strand). Cytogenetic location: 21q22.13.
Variant type: single nucleotide variant.
Coding change: c.2080G>A on transcript NM_001352514.2 (MANE Select); coding-DNA position 2080, G replaced by A.
Protein change: p.Val694Met; replaces valine 694 with methionine.
Molecular consequence: missense variant. On other transcripts: non-coding transcript variant (2).
Genome position (GRCh38, 1-based): chr21:36,765,053, C>T on the plus strand (G>A on the coding strand, the complement: HLCS is on the minus strand). VCF-style: chr21-36765053-C-T. GRCh37 (hg19) VCF-style: chr21-38137354-C-T.
Other names: c.1639G>A, p.Val547Met (NM_000411.8, NM_001242784.3, NM_001242785.2 and 4 more transcripts); c.1639G>A (NM_000411.6); short protein forms V694M, V547M.
Identifiers: ClinVar variation 2140753 (VCV002140753.2), dbSNP rs200568347, ClinGen allele CA10020374.